The following is an entry in ClinVar:

ClinVar aggregate classification (germline): Likely benign (1 of 4 stars; one submission).

gnomAD v4.1: 2 of 1,527,894 alleles (0.00013%); highest among the groups gnomAD compares: Middle Eastern, 0.017%; no homozygotes.

Submission:

CeGaT Center for Human Genetics Tuebingen
Classification: Likely benign. Last evaluated: 2025-12-01. Review status: criteria provided, single submitter. Criteria: CeGaT Center For Human Genetics Tuebingen Variant Classification Criteria Version 2. Collection method: clinical testing. Allele origin: germline. Affected: yes. Observed: 1 variant allele.
Comment: CCDC141: BP4, BP7

NM_173648.4(CCDC141):c.468G>A (p.Glu156=)

Gene: CCDC141 (coiled-coil domain containing 141; minus strand). Cytogenetic location: 2q31.2.
Variant type: single nucleotide variant.
Coding change: c.468G>A on transcript NM_173648.4 (MANE Select); coding-DNA position 468, G replaced by A.
Protein change: p.Glu156=; no amino-acid change (glutamic acid 156 retained).
Molecular consequence: synonymous variant.
Genome position (GRCh38, 1-based): chr2:178,975,115, C>T on the plus strand (G>A on the coding strand, the complement: CCDC141 is on the minus strand). VCF-style: chr2-178975115-C-T. GRCh37 (hg19) VCF-style: chr2-179839842-C-T.
Other names: c.468G>A, p.Glu156= (NM_001316745.2).
Identifiers: ClinVar variation 4682056 (VCV004682056.5).